The following is an entry in ClinVar:

NM_014588.6(VSX1):c.628-4C>T

Gene: VSX1 (visual system homeobox 1; minus strand). Cytogenetic location: 20p11.21.
Variant type: single nucleotide variant.
Coding change: c.628-4C>T on transcript NM_014588.6 (MANE Select); 4 bases into the intron before coding-DNA position 628, C replaced by T.
Molecular consequence: intron variant. On other transcripts: 5 prime UTR variant (1), non-coding transcript variant (3).
Genome position (GRCh38, 1-based): chr20:25,077,869, G>A on the plus strand (C>T on the coding strand, the complement: VSX1 is on the minus strand). VCF-style: chr20-25077869-G-A. GRCh37 (hg19) VCF-style: chr20-25058505-G-A.
Other names: c.-70C>T (NM_001378633.1); c.627+960C>T (NM_001256271.2); c.628-4C>T (NM_001256272.2).
Identifiers: ClinVar variation 778879 (VCV000778879.9), dbSNP rs181156458, ClinGen allele CA9793534.

ClinVar aggregate classification (germline): Benign/Likely benign. Review status: criteria provided, multiple submitters, no conflicts (2 of 4 stars). 3 submissions from 3 submitters: Benign (1); Likely benign (2). Last evaluated 2025-07-30.

Conditions:
Posterior polymorphous corneal dystrophy. Also called: CORNEAL DYSTROPHY, HEREDITARY POLYMORPHOUS POSTERIOR; Polymorphous corneal dystrophy. Identifiers: Orphanet 98973, MedGen C0339284, MONDO:0020364, HP:0007915.

Allele frequency attached by ClinVar (database versions not stated): gnomAD exomes 0.00031; 1000 Genomes Project 0.00040; ESP Exome Variant Server 0.00040; 1000 Genomes Project 30x 0.00047; ExAC 0.00055; gnomAD 0.00072 and 0.00073; TOPMed 0.00076.
gnomAD v4.1: 325 of 1,551,646 alleles (0.021%); highest among the groups gnomAD compares: African/African-American, 0.24%; no homozygotes.

Submissions (3):

Labcorp Genetics (formerly Invitae), Labcorp
Classification: Likely benign. Last evaluated: 2025-07-30. Review status: criteria provided, single submitter. Criteria: Invitae Variant Classification Sherloc (09022015). Collection method: clinical testing. Allele origin: germline.

Blueprint Genetics
Classification: Likely benign. Last evaluated: 2024-11-08. Review status: criteria provided, single submitter. Criteria: ACMG Guidelines, 2015. Collection method: clinical testing. Allele origin: germline.

Illumina Laboratory Services, Illumina
Classification: Benign for Polymorphous corneal dystrophy. Last evaluated: 2018-01-13. Review status: criteria provided, single submitter. Criteria: ICSL Variant Classification Criteria 13 December 2019. Collection method: clinical testing. Allele origin: germline.
Comment: This variant was observed in the ICSL laboratory as part of a predisposition screen in an ostensibly healthy population. It had not been previously curated by ICSL or reported in the Human Gene Mutation Database (HGMD: prior to June 1st, 2018), and was therefore a candidate for classification through an automated scoring system. Utilizing variant allele frequency, disease prevalence and penetrance estimates, and inheritance mode, an automated score was calculated to assess if this variant is too frequent to cause the disease. Based on the score and internal cut-off values, a variant classified as benign is not then subjected to further curation. The score for this variant resulted in a classification of benign for this disease.